The following is an entry in ClinVar:

ClinVar aggregate classification (germline): Uncertain significance (1 of 4 stars; one submission).

Conditions:
Hereditary cancer-predisposing syndrome. Also called: Neoplastic Syndromes, Hereditary; Tumor predisposition; Hereditary Cancer Syndrome; Hereditary neoplastic syndrome. Identifiers: Orphanet 140162, MedGen C0027672, MeSH D009386, MONDO:0015356.

Submission:

Ambry Genetics
Classification: Uncertain significance for Hereditary cancer-predisposing syndrome. Last evaluated: 2022-05-01. Review status: criteria provided, single submitter. Criteria: Ambry Variant Classification Scheme 2023. Collection method: clinical testing. Allele origin: germline.
Comment: The p.C591R variant (also known as c.1771T>C), located in coding exon 14 of the POT1 gene, results from a T to C substitution at nucleotide position 1771. The cysteine at codon 591 is replaced by arginine, an amino acid with highly dissimilar properties. This amino acid position is conserved. In addition, the in silico prediction for this alteration is inconclusive. Since supporting evidence is limited at this time, the clinical significance of this alteration remains unclear.

NM_015450.3(POT1):c.1771T>C (p.Cys591Arg)

Gene: POT1 (protection of telomeres 1; minus strand). Cytogenetic location: 7q31.33.
Variant type: single nucleotide variant.
Coding change: c.1771T>C on transcript NM_015450.3 (MANE Select); coding-DNA position 1771, T replaced by C.
Protein change: p.Cys591Arg; replaces cysteine 591 with arginine.
Molecular consequence: missense variant. On other transcripts: non-coding transcript variant (3).
Genome position (GRCh38, 1-based): chr7:124,825,273, A>G on the plus strand (T>C on the coding strand, the complement: POT1 is on the minus strand). VCF-style: chr7-124825273-A-G. GRCh37 (hg19) VCF-style: chr7-124465327-A-G.
Other names: c.1378T>C, p.Cys460Arg (NM_001042594.2); short protein forms C460R, C591R.
Identifiers: ClinVar variation 1779813 (VCV001779813.2), dbSNP rs1794602030, ClinGen allele CA369062161.